The following is an entry in ClinVar:

ClinVar aggregate classification (germline): Benign (1 of 4 stars; one submission).

Conditions:
Cutis laxa with osteodystrophy (ARCL2A). Also called: Debré-Type Cutis Laxa; CUTIS LAXA WITH CONGENITAL DISORDER OF GLYCOSYLATION; CUTIS LAXA, AUTOSOMAL RECESSIVE, TYPE IIA; CUTIS LAXA WITH BONE DYSTROPHY; CUTIS LAXA WITH GROWTH AND DEVELOPMENTAL DELAY; CUTIS LAXA WITH JOINT LAXITY AND RETARDED DEVELOPMENT. Identifiers: Orphanet 357058, MedGen C0268355, MONDO:0018163, OMIM 219200. Disease mechanism: loss of function.

Allele frequency attached by ClinVar (database versions not stated): 1000 Genomes Project 0.00559; TOPMed 0.00102; 1000 Genomes Project 30x 0.00453.

Submission:

Illumina Laboratory Services, Illumina
Classification: Benign for Cutis laxa with osteodystrophy. Last evaluated: 2018-01-12. Review status: criteria provided, single submitter. Criteria: ICSL Variant Classification Criteria 13 December 2019. Collection method: clinical testing. Allele origin: germline.
Comment: This variant was observed in the ICSL laboratory as part of a predisposition screen in an ostensibly healthy population. It had not been previously curated by ICSL or reported in the Human Gene Mutation Database (HGMD: prior to June 1st, 2018), and was therefore a candidate for classification through an automated scoring system. Utilizing variant allele frequency, disease prevalence and penetrance estimates, and inheritance mode, an automated score was calculated to assess if this variant is too frequent to cause the disease. Based on the score and internal cut-off values, a variant classified as benign is not then subjected to further curation. The score for this variant resulted in a classification of benign for this disease.

NM_012463.4(ATP6V0A2):c.*2353G>T

Gene: ATP6V0A2 (ATPase H+ transporting V0 subunit a2; plus strand). Cytogenetic location: 12q24.31.
Variant type: single nucleotide variant.
Coding change: c.*2353G>T on transcript NM_012463.4 (MANE Select); 2353 bases downstream of the stop codon, G replaced by T.
Molecular consequence: 3 prime UTR variant.
Genome position (GRCh38, 1-based): chr12:123,760,385, G>T. VCF-style: chr12-123760385-G-T. GRCh37 (hg19) VCF-style: chr12-124244932-G-T.
Identifiers: ClinVar variation 307628 (VCV000307628.5), dbSNP rs74386589, ClinGen allele CA10640516.